The following is an entry in ClinVar:

ClinVar aggregate classification (germline): Uncertain significance. Review status: criteria provided, multiple submitters, no conflicts (2 of 4 stars). 2 submissions from 2 submitters: Uncertain significance (2). Last evaluated 2025-10-26.

Allele frequency attached by ClinVar (database versions not stated): gnomAD 0.00001; TOPMed 0.00001; gnomAD exomes 0.00003 and 0.00006; ExAC 0.00004.
gnomAD v4.1: 16 of 1,613,644 alleles (0.00099%); highest among the groups gnomAD compares: Admixed American, 0.027%; no homozygotes.

Submissions (2):

Labcorp Genetics (formerly Invitae), Labcorp
Classification: Uncertain significance. Last evaluated: 2025-10-26. Review status: criteria provided, single submitter. Criteria: Invitae Variant Classification Sherloc (09022015). Collection method: clinical testing. Allele origin: germline.
Comment: This sequence change replaces methionine, which is neutral and non-polar, with leucine, which is neutral and non-polar, at codon 417 of the CCT2 protein (p.Met417Leu). This variant is present in population databases (rs766530481, gnomAD 0.04%). This variant has not been reported in the literature in individuals affected with CCT2-related conditions. ClinVar contains an entry for this variant (Variation ID: 1018844). An algorithm developed to predict the effect of missense changes on protein structure and function (PolyPhen-2) suggests that this variant is likely to be tolerated. In summary, the available evidence is currently insufficient to determine the role of this variant in disease. Therefore, it has been classified as a Variant of Uncertain Significance.

Ambry Genetics
Classification: Uncertain significance. Last evaluated: 2025-07-02. Review status: criteria provided, single submitter. Criteria: Ambry Variant Classification Scheme 2023. Collection method: clinical testing. Allele origin: germline.

NM_006431.3(CCT2):c.1249A>T (p.Met417Leu)

Gene: CCT2 (chaperonin containing TCP1 subunit 2; plus strand). Cytogenetic location: 12q15.
Variant type: single nucleotide variant.
Coding change: c.1249A>T on transcript NM_006431.3 (MANE Select); coding-DNA position 1249, A replaced by T.
Protein change: p.Met417Leu; replaces methionine 417 with leucine.
Molecular consequence: missense variant.
Genome position (GRCh38, 1-based): chr12:69,597,985, A>T. VCF-style: chr12-69597985-A-T. GRCh37 (hg19) VCF-style: chr12-69991765-A-T.
Other names: c.1108A>T, p.Met370Leu (NM_001198842.2); c.1249A>T (NM_006431.2); short protein forms M370L, M417L.
Identifiers: ClinVar variation 1018844 (VCV001018844.9), dbSNP rs766530481, ClinGen allele CA6680819.
Genomic context (GRCh38, chr12:69,597,985, plus strand): 5'-ACAACTAAGCATTGCAATATTTTATTGGAATTTTAATCTTTAGGCTGTTCTGAGATGTTG[A>T]TGGCTCATGCTGTGACACAGCTTGCCAATAGAACACCAGGCAAAGAAGCTGTTGCAATGG-3'
Protein context (NP_006422.1, residues 407-427): VYGGGCSEML[Met417Leu]AHAVTQLANR